The following is an entry in ClinVar:

ClinVar aggregate classification (germline): Conflicting classifications of pathogenicity. Review status: criteria provided, conflicting classifications (1 of 4 stars). 4 submissions from 4 submitters: Uncertain significance (2); Likely benign (1). 1 of the submissions does not count toward it. Last evaluated 2024-11-05.

Conditions:
PEX10-related disorder. Also called: PEX10-related condition.
Peroxisome biogenesis disorder, complementation group 7 (CG7). Also called: Peroxisome biogenesis disorder, complementation group B. Identifiers: MedGen C1864399.

Allele frequency attached by ClinVar (database versions not stated): gnomAD 0.00001; gnomAD exomes 0.00001; TOPMed 0.00001; ExAC 0.00002.
gnomAD v4.1: 10 of 1,589,264 alleles (0.00063%); highest among the groups gnomAD compares: Middle Eastern, 0.017%; no homozygotes.

Submissions (4):

Labcorp Genetics (formerly Invitae), Labcorp
Classification: Uncertain significance for Peroxisome biogenesis disorder, complementation group 7. Last evaluated: 2024-11-05. Review status: criteria provided, single submitter. Criteria: Invitae Variant Classification Sherloc (09022015). Collection method: clinical testing. Allele origin: germline.
Comment: This sequence change falls in intron 5 of the PEX10 gene. It does not directly change the encoded amino acid sequence of the PEX10 protein. It affects a nucleotide within the consensus splice site. The frequency data for this variant in the population databases is considered unreliable, as metrics indicate poor data quality at this position in the gnomAD database. This variant has not been reported in the literature in individuals affected with PEX10-related conditions. ClinVar contains an entry for this variant (Variation ID: 597492). Variants that disrupt the consensus splice site are a relatively common cause of aberrant splicing (PMID: 17576681, 9536098). Algorithms developed to predict the effect of sequence changes on RNA splicing suggest that this variant is not likely to affect RNA splicing. In summary, the available evidence is currently insufficient to determine the role of this variant in disease. Therefore, it has been classified as a Variant of Uncertain Significance.

Blueprint Genetics
Classification: Likely benign. Last evaluated: 2024-10-02. Review status: criteria provided, single submitter. Criteria: ACMG Guidelines, 2015. Collection method: clinical testing. Allele origin: germline.

Eurofins Ntd Llc (ga)
Classification: Uncertain significance. Last evaluated: 2018-06-07. Review status: criteria provided, single submitter. Criteria: EGL ClinVar v180209 classification definitions. Collection method: clinical testing. Allele origin: germline. Observed: 1 variant allele, 1 heterozygote.

PreventionGenetics, part of Exact Sciences
Classification: Likely benign for PEX10-related condition. Last evaluated: 2022-11-24. Review status: no assertion criteria provided. Collection method: clinical testing. Allele origin: germline. Not counted in ClinVar's aggregate classification.
Comment: This variant is classified as likely benign based on ACMG/AMP sequence variant interpretation guidelines (Richards et al. 2015 PMID: 25741868, with internal and published modifications).

Literature cited by the submitters: PubMed 17576681 (cited by Labcorp Genetics (formerly Invitae), Labcorp); PubMed 9536098 (cited by Labcorp Genetics (formerly Invitae), Labcorp).

NM_002617.4(PEX10):c.913-3C>T

Gene: PEX10 (peroxisomal biogenesis factor 10; minus strand). Cytogenetic location: 1p36.32.
Variant type: single nucleotide variant.
Coding change: c.913-3C>T on transcript NM_002617.4 (MANE Select); 3 bases into the intron before coding-DNA position 913, C replaced by T.
Molecular consequence: intron variant.
Genome position (GRCh38, 1-based): chr1:2,405,837, G>A on the plus strand (C>T on the coding strand, the complement: PEX10 is on the minus strand). VCF-style: chr1-2405837-G-A. GRCh37 (hg19) VCF-style: chr1-2337276-G-A.
Other names: c.973-3C>T (NM_153818.1, NM_153818.2); c.481-3C>T (NM_001374427.1); c.538-3C>T (NM_001374426.1); c.970-3C>T (NM_001374425.1).
Identifiers: ClinVar variation 597492 (VCV000597492.10), dbSNP rs777570617, ClinGen allele CA537957.